The following is an entry in ClinVar:

NM_000222.3(KIT):c.1003G>A (p.Val335Ile)

Gene: KIT (KIT proto-oncogene, receptor tyrosine kinase; plus strand). Cytogenetic location: 4q12.
Variant type: single nucleotide variant.
Coding change: c.1003G>A on transcript NM_000222.3 (MANE Select); coding-DNA position 1003, G replaced by A.
Protein change: p.Val335Ile; replaces valine 335 with isoleucine.
Molecular consequence: missense variant.
Genome position (GRCh38, 1-based): chr4:54,707,175, G>A. VCF-style: chr4-54707175-G-A. GRCh37 (hg19) VCF-style: chr4-55573341-G-A.
Other names: c.1003G>A, p.Val335Ile (NM_001093772.2, NM_001385285.1, NM_001385286.1); c.1006G>A, p.Val336Ile (NM_001385284.1, NM_001385288.1, NM_001385290.1 and 1 more transcripts); short protein forms V335I, V336I.
Identifiers: ClinVar variation 2825046 (VCV002825046.3), dbSNP rs2475478723, ClinGen allele CA356900935.

ClinVar aggregate classification (germline): Uncertain significance (1 of 4 stars; one submission).

Conditions:
Gastrointestinal stromal tumor. Also called: Gastrointestinal stromal tumor, somatic; Gastrointestinal stroma tumor. Identifiers: Orphanet 44890, MedGen C0238198, MeSH D046152, MONDO:0011719, OMIM 606764, HP:0100723.

Allele frequency attached by ClinVar (database versions not stated): gnomAD exomes below 0.00001.
gnomAD v4.1: 1 of 1,595,394 alleles (0.000063%); highest among the groups gnomAD compares: South Asian, 0.0011%; no homozygotes.

Submission:

Labcorp Genetics (formerly Invitae), Labcorp
Classification: Uncertain significance for Gastrointestinal stromal tumor. Last evaluated: 2023-01-03. Review status: criteria provided, single submitter. Criteria: Invitae Variant Classification Sherloc (09022015). Collection method: clinical testing. Allele origin: germline.
Comment: In summary, the available evidence is currently insufficient to determine the role of this variant in disease. Therefore, it has been classified as a Variant of Uncertain Significance. Algorithms developed to predict the effect of missense changes on protein structure and function (SIFT, PolyPhen-2, Align-GVGD) all suggest that this variant is likely to be disruptive. This variant has not been reported in the literature in individuals affected with KIT-related conditions. This variant is not present in population databases (gnomAD no frequency). This sequence change replaces valine, which is neutral and non-polar, with isoleucine, which is neutral and non-polar, at codon 335 of the KIT protein (p.Val335Ile).